The following is an entry in ClinVar:

ClinVar aggregate classification (germline): Pathogenic/Likely pathogenic. Review status: criteria provided, multiple submitters, no conflicts (2 of 4 stars). 2 submissions from 2 submitters: Pathogenic (1); Likely pathogenic (1). Last evaluated 2025-03-14.

Conditions:
Cardiovascular phenotype. Identifiers: MedGen CN230736.
Hereditary hemorrhagic telangiectasia (HHT). Also called: ORW DISEASE; Osler Weber Rendu syndrome; OSLER-RENDU-WEBER DISEASE; Osler hemorrhagic telangiectasia syndrome. Identifiers: Orphanet 774, MedGen C0039445, MONDO:0019180. Disease mechanism: loss of function.

Submissions (2):

Ambry Genetics
Classification: Likely pathogenic for Cardiovascular phenotype. Last evaluated: 2025-03-14. Review status: criteria provided, single submitter. Criteria: Ambry Variant Classification Scheme 2023. Collection method: clinical testing. Allele origin: germline.
Comment: The p.S278P variant (also known as c.832T>C), located in coding exon 7 of the ENG gene, results from a T to C substitution at nucleotide position 832. The serine at codon 278 is replaced by proline, an amino acid with similar properties. This variant was reported in individual(s) with features consistent with hereditary hemorrhagic telangiectasia (Mallet C et al. Hum. Mol. Genet., 2015 Feb;24:1142-54; Ambry internal data). In assays testing ENG function, this variant showed a functionally abnormal result (Mallet C et al. Hum. Mol. Genet., 2015 Feb;24:1142-54; Saito T et al. Cell Rep, 2017 05;19:1917-1928). This amino acid position is well conserved in available vertebrate species. In addition, this alteration is predicted to be tolerated by in silico analysis. This variant is considered to be rare based on population cohorts in the Genome Aggregation Database (gnomAD). Based on the majority of available evidence to date, this variant is likely to be pathogenic.

Labcorp Genetics (formerly Invitae), Labcorp
Classification: Pathogenic for Hereditary hemorrhagic telangiectasia. Last evaluated: 2023-11-10. Review status: criteria provided, single submitter. Criteria: Invitae Variant Classification Sherloc (09022015). Collection method: clinical testing. Allele origin: germline.
Comment: This sequence change replaces serine, which is neutral and polar, with proline, which is neutral and non-polar, at codon 278 of the ENG protein (p.Ser278Pro). This variant is not present in population databases (gnomAD no frequency). This missense change has been observed in individual(s) with clinical features of hereditary hemorrhagic telangiectasia (PMID: 25312062; Invitae). It has also been observed to segregate with disease in related individuals. ClinVar contains an entry for this variant (Variation ID: 1762965). Advanced modeling of protein sequence and biophysical properties (such as structural, functional, and spatial information, amino acid conservation, physicochemical variation, residue mobility, and thermodynamic stability) performed at Invitae indicates that this missense variant is expected to disrupt ENG protein function with a positive predictive value of 80%. Experimental studies have shown that this missense change affects ENG function (PMID: 25312062). For these reasons, this variant has been classified as Pathogenic.

Literature cited by the submitters: PubMed 25312062 (cited by Ambry Genetics and Labcorp Genetics (formerly Invitae), Labcorp); PubMed 28564608 (cited by Ambry Genetics).

NM_001114753.3(ENG):c.832T>C (p.Ser278Pro)

Gene: ENG (endoglin; minus strand). Cytogenetic location: 9q34.11.
Variant type: single nucleotide variant.
Coding change: c.832T>C on transcript NM_001114753.3 (MANE Select); coding-DNA position 832, T replaced by C.
Protein change: p.Ser278Pro; replaces serine 278 with proline.
Molecular consequence: missense variant.
Genome position (GRCh38, 1-based): chr9:127,824,959, A>G on the plus strand (T>C on the coding strand, the complement: ENG is on the minus strand). VCF-style: chr9-127824959-A-G. GRCh37 (hg19) VCF-style: chr9-130587238-A-G.
Other names: c.832T>C, p.Ser278Pro (NM_000118.4, NM_001406715.1); c.286T>C, p.Ser96Pro (NM_001278138.2); short protein forms S278P, S96P.
Identifiers: ClinVar variation 1762965 (VCV001762965.6), dbSNP rs2539073270, ClinGen allele CA374982816.